The following is an entry in ClinVar:

ClinVar aggregate classification (germline): Likely benign (1 of 4 stars; one submission).

Conditions:
FUS-related disorder. Also called: FUS-related condition.

Submission:

PreventionGenetics, part of Exact Sciences
Classification: Likely benign for FUS-related condition. Last evaluated: 2026-06-29. Review status: criteria provided, single submitter. Criteria: ACMG Guidelines, 2015. Collection method: clinical testing. Allele origin: germline.
Comment: This variant is classified as likely benign based on ACMG/AMP sequence variant interpretation guidelines (Richards et al. 2015 PMID: 25741868, with internal and published modifications).

NM_004960.4(FUS):c.-11_-4del

Gene: FUS (FUS RNA binding protein; plus strand). Cytogenetic location: 16p11.2.
Variant type: Deletion.
Coding change: c.-11_-4del on transcript NM_004960.4 (MANE Select); 11 bases upstream of the start codon through 4 bases upstream of the start codon, 8 bases deleted (CGTGCGCG; older notation c.-11_-4delCGTGCGCG).
Molecular consequence: 5 prime UTR variant. On other transcripts: non-coding transcript variant (1).
Genome position (GRCh38, 1-based): chr16:31,180,204-31,180,211, CGTGCGCG deleted; deleting any 8 consecutive bases within chr16:31,180,197-31,180,211 gives the same sequence; the c. name uses the placement nearest the transcript's 3' end. VCF-style (leftmost placement, unchanged base first): chr16-31180196-TGTGCGCGC-T. GRCh37 (hg19) VCF-style: chr16-31191517-TGTGCGCGC-T.
Other names: c.-11_-4del (NM_001170634.1, NM_001170937.1); c.-11_-4del8 (NM_004960.3).
Identifiers: ClinVar variation 4978360 (VCV004978360.1).
Genomic context (GRCh38, chr16:31,180,196, plus strand): 5'-GCTGCTCAGTCCTCCAGGCGTCGGTACTCAGCGGTGTTGGAACTTCGTTGCTTGCTTGCC[TGTGCGCGC>T]GTGCGCGGACATGGCCTCAAACGGTAGGTAAGGGCGCGAGGCGACGGCGGCGGCGCACCC-3'